The following is an entry in ClinVar:

ClinVar aggregate classification (germline): Benign/Likely benign. Review status: criteria provided, multiple submitters, no conflicts (2 of 4 stars). 3 submissions from 3 submitters: Benign (1); Likely benign (2). Last evaluated 2025-03-10.

Conditions:
Pheochromocytoma/paraganglioma syndrome 5. Also called: Paragangliomas 5; SDHA-Related Hereditary Paraganglioma-Pheochromocytoma Syndrome. Identifiers: Orphanet 29072, MedGen C3279992, MONDO:0013602, OMIM 614165.
Mitochondrial complex II deficiency, nuclear type 1. Also called: SUCCINATE CoQ REDUCTASE DEFICIENCY. Identifiers: Orphanet 3208, MedGen C5700310, MONDO:0100294, OMIM 252011.
Hereditary cancer-predisposing syndrome. Also called: Tumor predisposition; Hereditary Cancer Syndrome; Hereditary neoplastic syndrome; Neoplastic Syndromes, Hereditary. Identifiers: Orphanet 140162, MedGen C0027672, MeSH D009386, MONDO:0015356.

Submissions (3):

Myriad Genetics, Inc.
Classification: Benign for Pheochromocytoma/paraganglioma syndrome 5. Last evaluated: 2025-03-10. Review status: criteria provided, single submitter. Criteria: Myriad Autosomal Dominant, Autosomal Recessive and X-Linked Classification Criteria (2023). Collection method: clinical testing. Allele origin: unknown.
Comment: This variant is considered benign. This variant is a silent/synonymous amino acid change and it is not expected to impact splicing.

Ambry Genetics
Classification: Likely benign for Hereditary cancer-predisposing syndrome. Last evaluated: 2024-12-06. Review status: criteria provided, single submitter. Criteria: Ambry Variant Classification Scheme 2023. Collection method: clinical testing. Allele origin: germline.

Labcorp Genetics (formerly Invitae), Labcorp
Classification: Likely benign for Pheochromocytoma/paraganglioma syndrome 5; Mitochondrial complex II deficiency, nuclear type 1. Last evaluated: 2021-09-17. Review status: criteria provided, single submitter. Criteria: Invitae Variant Classification Sherloc (09022015). Collection method: clinical testing. Allele origin: germline.

NM_004168.4(SDHA):c.1548G>A (p.Gln516=)

Gene: SDHA (succinate dehydrogenase complex flavoprotein subunit A; plus strand). Cytogenetic location: 5p15.33.
Variant type: single nucleotide variant.
Coding change: c.1548G>A on transcript NM_004168.4 (MANE Select); coding-DNA position 1548, G replaced by A.
Protein change: p.Gln516=; no amino-acid change (glutamine 516 retained).
Molecular consequence: synonymous variant.
Genome position (GRCh38, 1-based): chr5:240,473, G>A. VCF-style: chr5-240473-G-A. GRCh37 (hg19) VCF-style: chr5-240588-G-A.
Other names: c.1548G>A (NM_004168.2); c.1404G>A, p.Gln468= (NM_001294332.2); c.1548G>A, p.Gln516= (NM_001330758.2).
Identifiers: ClinVar variation 1605068 (VCV001605068.10), dbSNP rs2126603098, ClinGen allele CA442692263.
Genomic context (GRCh38, chr5:240,473, plus strand): 5'-TGACAAATTGAGATTTGCTGATGGAAGCATAAGAACATCGGAACTGCGACTCAGCATGCA[G>A]AAGGTAAGAGCCTGGACTCGCTCTGGAGTGAGCAGGAGGGCTGCATACCTGGCCCTGCAC-3'
Protein context (NP_004159.2, residues 506-526): IRTSELRLSM[Gln516=]KSMQNHAAVF